The following is an entry in ClinVar:

NM_013262.4(MYLIP):c.719C>T (p.Thr240Met)

Gene: MYLIP (myosin regulatory light chain interacting protein; plus strand). Cytogenetic location: 6p22.3.
Variant type: single nucleotide variant.
Coding change: c.719C>T on transcript NM_013262.4 (MANE Select); coding-DNA position 719, C replaced by T.
Protein change: p.Thr240Met; replaces threonine 240 with methionine.
Molecular consequence: missense variant.
Genome position (GRCh38, 1-based): chr6:16,143,755, C>T. VCF-style: chr6-16143755-C-T. GRCh37 (hg19) VCF-style: chr6-16143986-C-T.
Other names: short protein forms T240M.
Identifiers: ClinVar variation 2889717 (VCV002889717.3), dbSNP rs138175799, ClinGen allele CA3644566.

ClinVar aggregate classification (germline): Uncertain significance (1 of 4 stars; one submission).

Allele frequency attached by ClinVar (database versions not stated): ExAC 0.00003; TOPMed 0.00003; gnomAD 0.00005; ESP Exome Variant Server 0.00008.

Submission:

Labcorp Genetics (formerly Invitae), Labcorp
Classification: Uncertain significance. Last evaluated: 2024-01-26. Review status: criteria provided, single submitter. Criteria: Invitae Variant Classification Sherloc (09022015). Collection method: clinical testing. Allele origin: germline.
Comment: This sequence change replaces threonine, which is neutral and polar, with methionine, which is neutral and non-polar, at codon 240 of the MYLIP protein (p.Thr240Met). This variant is present in population databases (rs138175799, gnomAD 0.005%). This variant has not been reported in the literature in individuals affected with MYLIP-related conditions. An algorithm developed to predict the effect of missense changes on protein structure and function (PolyPhen-2) suggests that this variant is likely to be disruptive. In summary, the available evidence is currently insufficient to determine the role of this variant in disease. Therefore, it has been classified as a Variant of Uncertain Significance.